The following is an entry in ClinVar:

NM_000535.7(PMS2):c.2445+6T>C

Gene: PMS2 (PMS1 homolog 2, mismatch repair system component; minus strand). Cytogenetic location: 7p22.1.
Variant type: single nucleotide variant.
Coding change: c.2445+6T>C on transcript NM_000535.7 (MANE Select); 6 bases into the intron after coding-DNA position 2445, T replaced by C.
Molecular consequence: intron variant.
Genome position (GRCh38, 1-based): chr7:5,977,582, A>G on the plus strand (T>C on the coding strand, the complement: PMS2 is on the minus strand). VCF-style: chr7-5977582-A-G. GRCh37 (hg19) VCF-style: chr7-6017213-A-G.
Other names: c.2127+6T>C (NM_001322008.2, NM_001322007.2); c.1884+6T>C (NM_001322010.2); c.2040+6T>C (NM_001322004.2, NM_001322003.2, NM_001322005.2); c.1872+6T>C (NM_001322013.2); c.1512+6T>C (NM_001322012.2, NM_001322011.2); c.2136+6T>C (NM_001322015.2); c.2289+6T>C (NM_001322006.2); c.2478+6T>C (NM_001322014.2); and 1 more.
Identifiers: ClinVar variation 931373 (VCV000931373.11), dbSNP rs1170182390, ClinGen allele CA1139659975.

ClinVar aggregate classification (germline): Uncertain significance. Review status: criteria provided, multiple submitters, no conflicts (2 of 4 stars). 3 submissions from 3 submitters: Uncertain significance (3). Last evaluated 2025-10-27.

Conditions:
Hereditary nonpolyposis colorectal neoplasms. Identifiers: MedGen C0009405, MeSH D003123.
Mismatch repair cancer syndrome 1 (MMRCS1). Also called: CHILDHOOD CANCER SYNDROME; MISMATCH REPAIR DEFICIENCY; MMR DEFICIENCY; BRAIN TUMOR-POLYPOSIS SYNDROME 1; BTP1 SYNDROME. Identifiers: Orphanet 252202, MedGen C5399763, MONDO:0010159, OMIM 276300. Disease mechanism: loss of function.

Allele frequency attached by ClinVar (database versions not stated): gnomAD exomes below 0.00001.
gnomAD v4.1: 1 of 1,521,914 alleles (0.000066%); highest among the groups gnomAD compares: Non-Finnish European, 0.000091%; no homozygotes.

Submissions (3):

Labcorp Genetics (formerly Invitae), Labcorp
Classification: Uncertain significance for Hereditary nonpolyposis colorectal neoplasms. Last evaluated: 2025-10-27. Review status: criteria provided, single submitter. Criteria: Invitae Variant Classification Sherloc (09022015). Collection method: clinical testing. Allele origin: germline.
Comment: This sequence change falls in intron 14 of the PMS2 gene. It does not directly change the encoded amino acid sequence of the PMS2 protein. It affects a nucleotide within the consensus splice site. The frequency data for this variant in the population databases (gnomAD) is considered unreliable due to the presence of homologous sequence, such as pseudogenes or paralogs, in the genome. This variant has not been reported in the literature in individuals affected with PMS2-related conditions. ClinVar contains an entry for this variant (Variation ID: 931373). Variants that disrupt the consensus splice site are a relatively common cause of aberrant splicing (PMID: 17576681, 9536098). RNA analysis provides insufficient evidence to determine the effect of this variant on PMS2 splicing (internal data). In summary, the available evidence is currently insufficient to determine the role of this variant in disease. Therefore, it has been classified as a Variant of Uncertain Significance.

GeneDx
Classification: Uncertain significance. Last evaluated: 2020-06-29. Review status: criteria provided, single submitter. Criteria: GeneDx Variant Classification Process June 2021. Collection method: clinical testing. Allele origin: germline. Affected: yes.
Comment: Not observed in large population cohorts (Lek 2016); In silico analysis supports that this variant does not alter splicing; Has not been previously published as pathogenic or benign to our knowledge

Centre for Mendelian Genomics, University Medical Centre Ljubljana
Classification: Uncertain significance for Mismatch repair cancer syndrome 1. Last evaluated: 2018-11-17. Review status: criteria provided, single submitter. Criteria: ACMG Guidelines, 2015. Collection method: clinical testing. Allele origin: unknown. Affected: yes.
Comment: This variant was classified as: Uncertain significance. The available evidence on this variant's pathogenicity is insufficient or conflicting. The following ACMG criteria were applied in classifying this variant: No criteria apply.

Literature cited by the submitters: PubMed 17576681 (cited by Labcorp Genetics (formerly Invitae), Labcorp); PubMed 9536098 (cited by Labcorp Genetics (formerly Invitae), Labcorp).